The following is an entry in ClinVar:

ClinVar aggregate classification (germline): Likely pathogenic (1 of 4 stars; one submission).

Conditions:
COL1A2-related disorder. Also called: COL1A2-related condition; COL1A2-Related Disorders.

Submission:

PreventionGenetics, part of Exact Sciences
Classification: Likely pathogenic for COL1A2-related condition. Last evaluated: 2025-05-23. Review status: criteria provided, single submitter. Criteria: ACMG Guidelines, 2015. Collection method: clinical testing. Allele origin: germline.
Comment: The COL1A2 c.3916dupA variant is predicted to result in a frameshift and premature protein termination (p.Ser1306Lysfs*14). To our knowledge, this variant has not been reported in the literature or in a large population database (gnomAD), indicating this variant is rare. Frameshift variants in COL1A2 are expected to be pathogenic. This variant is interpreted as likely pathogenic.

NM_000089.4(COL1A2):c.3916dup (p.Ser1306fs)

Gene: COL1A2 (collagen type I alpha 2 chain; plus strand). Cytogenetic location: 7q21.3.
Variant type: Duplication.
Coding change: c.3916dup on transcript NM_000089.4 (MANE Select); coding-DNA position 3916, one base duplicated (A; older notation c.3916dupA).
Protein change: p.Ser1306fs; shifts the reading frame from serine 1306.
Molecular consequence: frameshift variant.
Genome position (GRCh38, 1-based): chr7:94,429,392, A duplicated. VCF-style (leftmost placement, unchanged base first): chr7-94429391-C-CA. GRCh37 (hg19) VCF-style: chr7-94058703-C-CA.
Other names: c.3916dupA (NM_000089.3); short protein forms S1306fs.
Identifiers: ClinVar variation 5000509 (VCV005000509.1).